The following is an entry in ClinVar:

ClinVar aggregate classification (germline): Conflicting classifications of pathogenicity. Review status: criteria provided, conflicting classifications (1 of 4 stars). 3 submissions from 3 submitters: Likely pathogenic (1); Uncertain significance (2). Last evaluated 2026-07-15.

Conditions:
Congenital disorder of deglycosylation 2 (CDDG2). Identifiers: MedGen C5676931, MONDO:0030770, OMIM 619775.
Fetal anomalies with a likely genetic cause.

Submissions (3):

Genetics Laboratory, Great Ormond Street Hospital NHS Foundation Trust, North Thames Genomic Laboratory Hub
Classification: Uncertain significance for Fetal anomalies with a likely genetic cause. Last evaluated: 2026-07-15. Review status: criteria provided, single submitter. Criteria: ACGS Best Practice Guidelines for Variant Classification in Rare Disease 2024 v1.2. Collection method: clinical testing. Allele origin: germline. Affected: yes.
Comment: PM2_moderate, PVS1_moderate

Dasa
Classification: Uncertain significance. Last evaluated: 2025-11-27. Review status: criteria provided, single submitter. Criteria: DASA Assertion Criteria. Collection method: clinical testing. Allele origin: germline.
Comment: NM_006715.4(MAN2C1):c.2791_2792del (p.Leu931Valfs*47) is a frameshift variant in MAN2C1 predicted to alter the reading frame and introduce a premature termination codon. This variant is rare in population databases. The currently available literature and clinical evidence are not sufficient to establish a definitive association between this variant and the reported condition. Therefore, this variant is classified as a variant of uncertain significance.

ARUP Laboratories, Molecular Genetics and Genomics, ARUP Laboratories
Classification: Likely pathogenic for Congenital disorder of deglycosylation 2. Review status: criteria provided, single submitter. Criteria: ARUP Molecular Germline Variant Investigation Process 2024. Collection method: clinical testing. Allele origin: germline.
Comment: The MAN2C1 c.2791_2792del; p.Leu931ValfsTer47 variant (rs760405944), to our knowledge, is not reported in the medical literature or gene specific databases. This variant causes a frameshift by deleting 2 nucleotides, so it is predicted to result in a truncated protein or mRNA subject to nonsense-mediated decay. However, given the lack of clinical and functional data, the significance of this variant is uncertain at this time.

NM_006715.4(MAN2C1):c.2791_2792del (p.Leu931fs)

Genes: MAN2C1 (mannosidase alpha class 2C member 1; minus strand), NEIL1 (nei like DNA glycosylase 1; plus strand), LOC121847958 (Sharpr-MPRA regulatory region 1822; plus strand). Cytogenetic location: 15q24.2.
Variant type: Deletion.
Coding change: c.2791_2792del on transcript NM_006715.4 (MANE Select); coding-DNA positions 2791 to 2792, 2 bases deleted (CT; older notation c.2791_2792delCT).
Protein change: p.Leu931fs; shifts the reading frame from leucine 931.
Molecular consequence: frameshift variant. On other transcripts: 3 prime UTR variant (2), non-coding transcript variant (1), intron variant (1).
Genome position (GRCh38, 1-based): chr15:75,356,395-75,356,396, AG deleted on the plus strand (CT on the coding strand, the reverse complement: MAN2C1 is on the minus strand). VCF-style (leftmost placement, unchanged base first): chr15-75356394-CAG-C. GRCh37 (hg19) VCF-style: chr15-75648735-CAG-C.
Other names: c.2842_2843del, p.Leu948fs (NM_001256494.2); c.2494_2495del, p.Leu832fs (NM_001256496.2); c.*1361_*1362del (NM_001352520.2, NM_024608.4); c.2738-16_2738-15del (NM_001256495.2); short protein forms L832fs, L931fs, L948fs.
Identifiers: ClinVar variation 4686036 (VCV004686036.4).